The following is an entry in ClinVar:

ClinVar aggregate classification (germline): Uncertain significance (1 of 4 stars; one submission).

gnomAD v4.1: 4 of 1,614,230 alleles (0.00025%); highest among the groups gnomAD compares: Non-Finnish European, 0.00025%; no homozygotes.

Submission:

Labcorp Genetics (formerly Invitae), Labcorp
Classification: Uncertain significance. Last evaluated: 2024-03-01. Review status: criteria provided, single submitter. Criteria: Invitae Variant Classification Sherloc (09022015). Collection method: clinical testing. Allele origin: germline.
Comment: This sequence change replaces leucine, which is neutral and non-polar, with valine, which is neutral and non-polar, at codon 80 of the RFWD3 protein (p.Leu80Val). This variant is not present in population databases (gnomAD no frequency). This variant has not been reported in the literature in individuals affected with RFWD3-related conditions. Algorithms developed to predict the effect of missense changes on protein structure and function output the following: SIFT: "Not Available"; PolyPhen-2: "Benign"; Align-GVGD: "Not Available". The valine amino acid residue is found in multiple mammalian species, which suggests that this missense change does not adversely affect protein function. In summary, the available evidence is currently insufficient to determine the role of this variant in disease. Therefore, it has been classified as a Variant of Uncertain Significance.

NM_018124.4(RFWD3):c.238C>G (p.Leu80Val)

Gene: RFWD3 (ring finger and WD repeat domain 3; minus strand). Cytogenetic location: 16q23.1.
Variant type: single nucleotide variant.
Coding change: c.238C>G on transcript NM_018124.4 (MANE Select); coding-DNA position 238, C replaced by G.
Protein change: p.Leu80Val; replaces leucine 80 with valine.
Molecular consequence: missense variant. On other transcripts: 5 prime UTR variant (4), intron variant (1).
Genome position (GRCh38, 1-based): chr16:74,661,212, G>C on the plus strand (C>G on the coding strand, the complement: RFWD3 is on the minus strand). VCF-style: chr16-74661212-G-C. GRCh37 (hg19) VCF-style: chr16-74695110-G-C.
Other names: c.238C>G, p.Leu80Val (NM_001370534.1, NM_001370535.1, NM_001370536.1); c.-771C>G (NM_001370537.1); c.-394C>G (NM_001370539.1); c.-648C>G (NM_001370542.1); c.-526C>G (NM_001370543.1); c.-317+3412C>G (NM_001370540.1); short protein forms L80V.
Identifiers: ClinVar variation 3701850 (VCV003701850.2).
Genomic context (GRCh38, chr16:74,661,212, plus strand): 5'-CTGAAGTTCTTGGATTGATGTTCTCCACAGTGTCTTCTCCCAAGACCTCCACTTCTGTCA[G>C]GTCAACAGACAGTTGCGGAGCAGGCTGGAGCAGGGGTGGTGTCGCTTGGCTGCTGATCAC-3'
Protein context (NP_060594.3, residues 70-90): LQPAPQLSVD[Leu80Val]TEVEVLGEDT